The following is an entry in ClinVar:

ClinVar aggregate classification (germline): Uncertain significance (1 of 4 stars; one submission).

Conditions:
Emery-Dreifuss muscular dystrophy 5, autosomal dominant (EDMD5). Also called: EMERY-DREIFUSS MUSCULAR DYSTROPHY 5. Identifiers: Orphanet 261, MedGen C2751805, MONDO:0013072, OMIM 612999.

Allele frequency attached by ClinVar (database versions not stated): gnomAD exomes below 0.00001; ExAC 0.00001.
gnomAD v4.1: 3 of 1,613,996 alleles (0.00019%); highest among the groups gnomAD compares: Non-Finnish European, 0.00025%; no homozygotes.

Submission:

Labcorp Genetics (formerly Invitae), Labcorp
Classification: Uncertain significance for Emery-Dreifuss muscular dystrophy 5, autosomal dominant. Last evaluated: 2018-09-15. Review status: criteria provided, single submitter. Criteria: Invitae Variant Classification Sherloc (09022015). Collection method: clinical testing. Allele origin: germline.
Comment: In summary, this variant is a rare missense change that is not predicted to affect protein function. There is no indication that it causes disease, but the available evidence is currently insufficient to prove that conclusively. Therefore, it has been classified as a Variant of Uncertain Significance. Algorithms developed to predict the effect of missense changes on protein structure and function output the following: (SIFT: "Tolerated"; PolyPhen-2: "Benign"; Align-GVGD: "Class C0"). The aspartic acid amino acid residue is found in multiple mammalian species, suggesting that this missense change does not adversely affect protein function. These predictions have not been confirmed by published functional studies. This variant is present in population databases (rs751652922, ExAC 0.002%) but has not been reported in the literature in individuals with a SYNE2-related disease. This sequence change replaces glycine with aspartic acid at codon 5346 of the SYNE2 protein (p.Gly5346Asp). The glycine residue is weakly conserved and there is a moderate physicochemical difference between glycine and aspartic acid.

NM_182914.3(SYNE2):c.16037G>A (p.Gly5346Asp)

Gene: SYNE2 (spectrin repeat containing nuclear envelope protein 2; plus strand). Cytogenetic location: 14q23.2.
Variant type: single nucleotide variant.
Coding change: c.16037G>A on transcript NM_182914.3 (MANE Select); coding-DNA position 16037, G replaced by A.
Protein change: p.Gly5346Asp; replaces glycine 5346 with aspartic acid.
Molecular consequence: missense variant.
Genome position (GRCh38, 1-based): chr14:64,159,385, G>A. VCF-style: chr14-64159385-G-A. GRCh37 (hg19) VCF-style: chr14-64626103-G-A.
Other names: c.16037G>A, p.Gly5346Asp (NM_015180.6); short protein forms G5346D.
Identifiers: ClinVar variation 646312 (VCV000646312.8), dbSNP rs751652922, ClinGen allele CA7223243.